The following is an entry in ClinVar:

NM_144997.7(FLCN):c.671_672del (p.Thr224fs)

Gene: FLCN (folliculin; minus strand). Cytogenetic location: 17p11.2.
Variant type: Microsatellite.
Coding change: c.671_672del on transcript NM_144997.7 (MANE Select); coding-DNA positions 671 to 672, 2 bases deleted (CA; older notation c.671_672delCA).
Protein change: p.Thr224fs; shifts the reading frame from threonine 224.
Molecular consequence: frameshift variant.
Genome position (GRCh38, 1-based): chr17:17,222,608-17,222,609, TG deleted on the plus strand (CA on the coding strand, the reverse complement: FLCN is on the minus strand); deleting any 2 consecutive bases within chr17:17,222,608-17,222,612 gives the same sequence; the c. name uses the placement nearest the transcript's 3' end. VCF-style (leftmost placement, unchanged base first): chr17-17222607-CTG-C. GRCh37 (hg19) VCF-style: chr17-17125921-CTG-C.
Other names: c.725_726del, p.Thr242fs (NM_001353229.2); c.671_672del, p.Thr224fs (NM_001353230.2, NM_001353231.2, NM_144606.7); short protein forms T224fs, T242fs.
Identifiers: ClinVar variation 2431317 (VCV002431317.1), dbSNP rs1225988242, ClinGen allele CA726591897.

ClinVar aggregate classification (germline): Pathogenic (1 of 4 stars; one submission).

Conditions:
Birt-Hogg-Dube syndrome. Also called: Birt Hogg Dubé syndrome. Identifiers: Orphanet 122, MedGen C0346010, MONDO:0800444.

Submission:

Myriad Genetics, Inc.
Classification: Pathogenic for Birt-Hogg-Dube syndrome 1. Last evaluated: 2023-01-11. Review status: criteria provided, single submitter. Criteria: Myriad Autosomal Dominant, Autosomal Recessive and X-Linked Classification Criteria (2023). Collection method: clinical testing. Allele origin: unknown.
Comment: This variant is considered pathogenic. This variant creates a frameshift predicted to result in premature protein truncation.